The following is an entry in ClinVar:

NM_000038.6(APC):c.1370del (p.Ser457fs)

Gene: APC (APC regulator of Wnt signaling pathway; plus strand). Cytogenetic location: 5q22.2.
Variant type: Deletion.
Coding change: c.1370del on transcript NM_000038.6 (MANE Select); coding-DNA position 1370, one base deleted (C; older notation c.1370delC).
Protein change: p.Ser457fs; shifts the reading frame from serine 457.
Molecular consequence: frameshift variant.
Genome position (GRCh38, 1-based): chr5:112,821,953, C deleted. VCF-style (leftmost placement, unchanged base first): chr5-112821952-TC-T. GRCh37 (hg19) VCF-style: chr5-112157649-TC-T.
Other names: c.1370delC (NM_000038.5); c.1370del, p.Ser457fs (NM_001127510.3, NM_001354895.2, NM_001354896.2); c.1316del, p.Ser439fs (NM_001127511.3); c.1400del, p.Ser467fs (NM_001354897.2); c.1295del, p.Ser432fs (NM_001354898.2); c.1286del, p.Ser429fs (NM_001354899.2); c.1193del, p.Ser398fs (NM_001354900.2, NM_001354901.2); c.1097del, p.Ser366fs (NM_001354902.2); and 13 more; short protein forms S174fs, S297fs, S398fs, S331fs, S432fs, S457fs, S356fs, S366fs.
Identifiers: ClinVar variation 2203681 (VCV002203681.7), dbSNP rs2533109896, ClinGen allele CA2580072600.

ClinVar aggregate classification (germline): Pathogenic. Review status: criteria provided, multiple submitters, no conflicts (2 of 4 stars). 3 submissions from 3 submitters: Pathogenic (3). Last evaluated 2024-04-25.

Conditions:
Hereditary cancer-predisposing syndrome. Also called: Neoplastic Syndromes, Hereditary; Tumor predisposition; Hereditary Cancer Syndrome; Hereditary neoplastic syndrome. Identifiers: Orphanet 140162, MedGen C0027672, MeSH D009386, MONDO:0015356.
Familial adenomatous polyposis 1 (FAP1). Also called: POLYPOSIS, ADENOMATOUS INTESTINAL; FAMILIAL ADENOMATOUS POLYPOSIS 1, ATTENUATED. Identifiers: MedGen C2713442, MONDO:0021056, OMIM 175100. Disease mechanism: loss of function.

Submissions (3):

Ambry Genetics
Classification: Pathogenic for Hereditary cancer-predisposing syndrome. Last evaluated: 2024-04-25. Review status: criteria provided, single submitter. Criteria: Ambry Variant Classification Scheme 2023. Collection method: clinical testing. Allele origin: germline.
Comment: The c.1370delC pathogenic mutation, located in coding exon 10 of the APC gene, results from a deletion of one nucleotide at nucleotide position 1370, causing a translational frameshift with a predicted alternate stop codon (p.S457Yfs*10). This variant has been observed in at least one individual with a personal and/or family history that is consistent with familial adenomatous polyposis (FAP) (Ambry internal data). This variant is considered to be rare based on population cohorts in the Genome Aggregation Database (gnomAD). This alteration is expected to result in loss of function by premature protein truncation or nonsense-mediated mRNA decay. As such, this alteration is interpreted as a disease-causing mutation.

Labcorp Genetics (formerly Invitae), Labcorp
Classification: Pathogenic for Familial adenomatous polyposis 1. Last evaluated: 2023-06-29. Review status: criteria provided, single submitter. Criteria: Invitae Variant Classification Sherloc (09022015). Collection method: clinical testing. Allele origin: germline.
Comment: This sequence change creates a premature translational stop signal (p.Ser457Tyrfs*10) in the APC gene. It is expected to result in an absent or disrupted protein product. Loss-of-function variants in APC are known to be pathogenic (PMID: 17963004, 20685668). This variant is not present in population databases (gnomAD no frequency). This premature translational stop signal has been observed in individual(s) with hereditary colorectal polyposis/cancers (PMID: 26837502). ClinVar contains an entry for this variant (Variation ID: 2203681). For these reasons, this variant has been classified as Pathogenic.

Myriad Genetics, Inc.
Classification: Pathogenic for Familial adenomatous polyposis 1. Last evaluated: 2023-05-01. Review status: criteria provided, single submitter. Criteria: Myriad Autosomal Dominant, Autosomal Recessive and X-Linked Classification Criteria (2023). Collection method: clinical testing. Allele origin: unknown.
Comment: This variant is considered pathogenic. This variant creates a frameshift predicted to result in premature protein truncation.

Literature cited by the submitters: PubMed 17963004 (cited by Labcorp Genetics (formerly Invitae), Labcorp); PubMed 20685668 (cited by Labcorp Genetics (formerly Invitae), Labcorp); PubMed 26837502 (cited by Labcorp Genetics (formerly Invitae), Labcorp).